The following is an entry in ClinVar:

ClinVar aggregate classification (germline): Benign/Likely benign. Review status: criteria provided, multiple submitters, no conflicts (2 of 4 stars). 2 submissions from 2 submitters: Benign (1); Likely benign (1). Last evaluated 2025-02-03.

Conditions:
Hereditary nonpolyposis colorectal neoplasms. Identifiers: MedGen C0009405, MeSH D003123.
Lynch syndrome 4 (LYNCH4). Also called: Colorectal cancer, hereditary nonpolyposis, type 4; Hereditary non-polyposis colorectal cancer, type 4. Identifiers: Orphanet 144, MedGen C1838333, MONDO:0013699, OMIM 614337. Disease mechanism: loss of function.

Submissions (2):

Myriad Genetics, Inc.
Classification: Benign for Lynch syndrome 4. Last evaluated: 2025-02-03. Review status: criteria provided, single submitter. Criteria: Myriad Autosomal Dominant, Autosomal Recessive and X-Linked Classification Criteria (2023). Collection method: clinical testing. Allele origin: unknown.
Comment: This variant is considered benign. This variant is a silent/synonymous amino acid change and it is not expected to impact splicing.

Labcorp Genetics (formerly Invitae), Labcorp
Classification: Likely benign for Hereditary nonpolyposis colorectal neoplasms. Last evaluated: 2023-08-22. Review status: criteria provided, single submitter. Criteria: Invitae Variant Classification Sherloc (09022015). Collection method: clinical testing. Allele origin: germline.

NM_000535.7(PMS2):c.1992A>C (p.Leu664=)

Gene: PMS2 (PMS1 homolog 2, mismatch repair system component; minus strand). Cytogenetic location: 7p22.1.
Variant type: single nucleotide variant.
Coding change: c.1992A>C on transcript NM_000535.7 (MANE Select); coding-DNA position 1992, A replaced by C.
Protein change: p.Leu664=; no amino-acid change (leucine 664 retained).
Molecular consequence: synonymous variant. On other transcripts: non-coding transcript variant (1), intron variant (1).
Genome position (GRCh38, 1-based): chr7:5,986,773, T>G on the plus strand (A>C on the coding strand, the complement: PMS2 is on the minus strand). VCF-style: chr7-5986773-T-G. GRCh37 (hg19) VCF-style: chr7-6026404-T-G.
Other names: c.1674A>C, p.Leu558= (NM_001406903.1, NM_001406883.1, NM_001322007.2 and 2 more transcripts); c.1479A>C, p.Leu493= (NM_001406904.1, NM_001406905.1); c.1431A>C, p.Leu477= (NM_001406906.1, NM_001406907.1, NM_001322010.2); c.1587A>C, p.Leu529= (NM_001406908.1, NM_001406910.1, NM_001406887.1 and 17 more transcripts); c.1419A>C, p.Leu473= (NM_001406909.1, NM_001322013.2); c.1221A>C, p.Leu407= (NM_001406911.1); c.804-3782A>C (NM_001406912.1); c.1668A>C, p.Leu556= (NM_001406884.1); and 13 more.
Identifiers: ClinVar variation 2754326 (VCV002754326.4), dbSNP rs2535700749, ClinGen allele CA453745688.